The following is an entry in ClinVar:

ClinVar aggregate classification (germline): Uncertain significance. Review status: criteria provided, multiple submitters, no conflicts (2 of 4 stars). 3 submissions from 3 submitters: Uncertain significance (3). Last evaluated 2023-04-03.

Conditions:
Hereditary cancer-predisposing syndrome. Also called: Tumor predisposition; Hereditary neoplastic syndrome; Neoplastic Syndromes, Hereditary; Hereditary Cancer Syndrome. Identifiers: Orphanet 140162, MedGen C0027672, MeSH D009386, MONDO:0015356.
Familial melanoma. Also called: Hereditary melanoma; Hereditary cutaneous melanoma. Identifiers: Orphanet 618, MedGen C1512419, MONDO:0018961.

Submissions (3):

Ambry Genetics
Classification: Uncertain significance for Hereditary cancer-predisposing syndrome. Last evaluated: 2023-04-03. Review status: criteria provided, single submitter. Criteria: Ambry Variant Classification Scheme 2023. Collection method: clinical testing. Allele origin: germline.
Comment: The p.V59A variant (also known as c.176T>C), located in coding exon 2 of the CDKN2A gene, results from a T to C substitution at nucleotide position 176. The valine at codon 59 is replaced by alanine, an amino acid with similar properties. This amino acid position is well conserved in available vertebrate species. In addition, the in silico prediction for this alteration is inconclusive. Since supporting evidence is limited at this time, the clinical significance of this alteration remains unclear.

GeneDx
Classification: Uncertain significance. Last evaluated: 2023-03-28. Review status: criteria provided, single submitter. Criteria: GeneDx Variant Classification Process June 2021. Collection method: clinical testing. Allele origin: germline. Affected: yes.
Comment: Not observed at significant frequency in large population cohorts (gnomAD); In silico analysis supports that this missense variant has a deleterious effect on protein structure/function; This variant is associated with the following publications: (PMID: 19571771, 21893440, 20653773, 22841127, 26681309, 12700603, 19799798, 15146471, 9425228, 21507037, 28146043, 30395287)

Labcorp Genetics (formerly Invitae), Labcorp
Classification: Uncertain significance for Familial melanoma. Last evaluated: 2021-08-01. Review status: criteria provided, single submitter. Criteria: Invitae Variant Classification Sherloc (09022015). Collection method: clinical testing. Allele origin: germline.
Comment: This variant is not present in population databases (ExAC no frequency). In summary, the available evidence is currently insufficient to determine the role of this variant in disease. Therefore, it has been classified as a Variant of Uncertain Significance. This variant disrupts the p.Val59 amino acid residue in CDKN2A (p16INK4a). Other variant(s) that disrupt this residue have been determined to be pathogenic (PMID: 9425228, 12700603, 15146471, 19571771, 19799798, 20653773, 21893440, 22841127, 26681309). This suggests that this residue is clinically significant, and that variants that disrupt this residue are likely to be disease-causing. Algorithms developed to predict the effect of missense changes on protein structure and function (SIFT, PolyPhen-2, Align-GVGD) all suggest that this variant is likely to be disruptive. This missense change has been observed in individual(s) with melanoma (PMID: 21507037, 28146043). This sequence change replaces valine with alanine at codon 59 of the CDKN2A (p16INK4a) protein (p.Val59Ala). The valine residue is highly conserved and there is a small physicochemical difference between valine and alanine.

Literature cited by the submitters: PubMed 9425228 (cited by Labcorp Genetics (formerly Invitae), Labcorp); PubMed 12700603 (cited by Labcorp Genetics (formerly Invitae), Labcorp); PubMed 15146471 (cited by Labcorp Genetics (formerly Invitae), Labcorp); PubMed 19571771 (cited by Labcorp Genetics (formerly Invitae), Labcorp); PubMed 19799798 (cited by Labcorp Genetics (formerly Invitae), Labcorp); PubMed 20653773 (cited by Labcorp Genetics (formerly Invitae), Labcorp); PubMed 21893440 (cited by Labcorp Genetics (formerly Invitae), Labcorp); PubMed 22841127 (cited by Labcorp Genetics (formerly Invitae), Labcorp); PubMed 26681309 (cited by Labcorp Genetics (formerly Invitae), Labcorp); PubMed 21507037 (cited by Labcorp Genetics (formerly Invitae), Labcorp); PubMed 28146043 (cited by Labcorp Genetics (formerly Invitae), Labcorp).

NM_000077.5(CDKN2A):c.176T>C (p.Val59Ala)

Gene: CDKN2A (cyclin dependent kinase inhibitor 2A; minus strand). Cytogenetic location: 9p21.3.
Variant type: single nucleotide variant.
Coding change: c.176T>C on transcript NM_000077.5; coding-DNA position 176, T replaced by C.
Protein change: p.Val59Ala; replaces valine 59 with alanine.
Molecular consequence: missense variant (on NM_000077.6). On other transcripts: synonymous variant (1), 3 prime UTR variant (1).
Genome position (GRCh38, 1-based): chr9:21,971,183, A>G on the plus strand (T>C on the coding strand, the complement: CDKN2A is on the minus strand). VCF-style: chr9-21971183-A-G. GRCh37 (hg19) VCF-style: chr9-21971182-A-G.
Other names: c.176T>C, p.Val59Ala (NM_000077.6, NM_001195132.2); c.23T>C, p.Val8Ala (NM_001363763.2); c.219T>C, p.Ser73= (NM_058195.4); c.*99T>C (NM_058197.5); short protein forms V59A, V8A.
Identifiers: ClinVar variation 1434858 (VCV001434858.9), dbSNP rs104894099, ClinGen allele CA373086402.